The following is an entry in ClinVar:

ClinVar aggregate classification (germline): Likely benign (1 of 4 stars; one submission).

Allele frequency attached by ClinVar (database versions not stated): gnomAD exomes below 0.00001.
gnomAD v4.1: 1 of 1,604,716 alleles (0.000062%); highest among the groups gnomAD compares: Admixed American, 0.0017%; no homozygotes.

Submission:

GeneDx
Classification: Likely benign. Last evaluated: 2016-05-24. Review status: criteria provided, single submitter. Criteria: GeneDx Variant Classification (06012015). Collection method: clinical testing. Allele origin: germline. Affected: yes.
Comment: This variant is considered likely benign or benign based on one or more of the following criteria: it is a conservative change, it occurs at a poorly conserved position in the protein, it is predicted to be benign by multiple in silico algorithms, and/or has population frequency not consistent with disease.

NM_001330260.2(SCN8A):c.1002A>G (p.Pro334=)

Gene: SCN8A (sodium voltage-gated channel alpha subunit 8; plus strand). Cytogenetic location: 12q13.13.
Variant type: single nucleotide variant.
Coding change: c.1002A>G on transcript NM_001330260.2 (MANE Select); coding-DNA position 1002, A replaced by G.
Protein change: p.Pro334=; no amino-acid change (proline 334 retained).
Molecular consequence: synonymous variant.
Genome position (GRCh38, 1-based): chr12:51,702,782, A>G. VCF-style: chr12-51702782-A-G. GRCh37 (hg19) VCF-style: chr12-52096566-A-G.
Other names: c.1002A>G, p.Pro334= (NM_001177984.3, NM_001369788.1, NM_014191.4).
Identifiers: ClinVar variation 378557 (VCV000378557.1), dbSNP rs1057520362, ClinGen allele CA16607321.
Genomic context (GRCh38, chr12:51,702,782, plus strand): 5'-GGCTGGGTGGAATTATGTTGAAAAGTCCTGAACTTCCCTTTCTTTCTTTAGGCAATGCCC[A>G]GAGGGATACCAGTGTATGAAAGCAGGAAGGAACCCCAACTATGGTTACACAAGTTTTGAC-3'
Protein context (NP_001317189.1, residues 324-344): CGNSSDAGQC[Pro334=]EGYQCMKAGR